The following is an entry in ClinVar:

NM_000260.4(MYO7A):c.3892G>C (p.Gly1298Arg)

Gene: MYO7A (myosin VIIA; plus strand). Cytogenetic location: 11q13.5.
Variant type: single nucleotide variant.
Coding change: c.3892G>C on transcript NM_000260.4 (MANE Select); coding-DNA position 3892, G replaced by C.
Protein change: p.Gly1298Arg; replaces glycine 1298 with arginine.
Molecular consequence: missense variant.
Genome position (GRCh38, 1-based): chr11:77,190,838, G>C. VCF-style: chr11-77190838-G-C. GRCh37 (hg19) VCF-style: chr11-76901883-G-C.
Other names: c.3892G>C, p.Gly1298Arg (NM_001127180.2); c.3859G>C, p.Gly1287Arg (NM_001369365.1); short protein forms G1298R, G1287R.
Identifiers: ClinVar variation 2995600 (VCV002995600.3), dbSNP rs727503329, ClinGen allele CA381947894.
Genomic context (GRCh38, chr11:77,190,838, plus strand): 5'-ACCACGGCCAAGGAGCTCTGCAACGCGCTGGCCGACAAGATCTCTCTCAAGGACCGGTTC[G>C]GGTTCTCCCTCTACATTGCCCTGTTTGACAAGGTATGGCCGCCCGGAAGCACCTCCTCCC-3'
Protein context (NP_000251.3, residues 1288-1308): ADKISLKDRF[Gly1298Arg]FSLYIALFDK

ClinVar aggregate classification (germline): Pathogenic (1 of 4 stars; one submission).

Submission:

Labcorp Genetics (formerly Invitae), Labcorp
Classification: Pathogenic. Last evaluated: 2023-04-26. Review status: criteria provided, single submitter. Criteria: Invitae Variant Classification Sherloc (09022015). Collection method: clinical testing. Allele origin: germline.
Comment: For these reasons, this variant has been classified as Pathogenic. This sequence change replaces glycine, which is neutral and non-polar, with arginine, which is basic and polar, at codon 1298 of the MYO7A protein (p.Gly1298Arg). This variant is not present in population databases (gnomAD no frequency). A different variant (c.3892G>A) giving rise to the same protein effect has been determined to be pathogenic (PMID: 29490346, 31479088). This suggests that this variant is also likely to be causative of disease. Advanced modeling of protein sequence and biophysical properties (such as structural, functional, and spatial information, amino acid conservation, physicochemical variation, residue mobility, and thermodynamic stability) performed at Invitae indicates that this missense variant is expected to disrupt MYO7A protein function.

Literature cited by the submitters: PubMed 29490346; PubMed 31479088.